The following is an entry in ClinVar:

ClinVar aggregate classification (germline): Uncertain significance. Review status: criteria provided, multiple submitters, no conflicts (2 of 4 stars). 2 submissions from 2 submitters: Uncertain significance (2). Last evaluated 2025-03-04.

Conditions:
Cardiovascular phenotype. Identifiers: MedGen CN230736.
Charcot-Marie-Tooth disease type 2. Also called: Charcot-Marie-Tooth type 2. Identifiers: Orphanet 64746, MedGen C0270914, MONDO:0018993.

Submissions (2):

Ambry Genetics
Classification: Uncertain significance for Cardiovascular phenotype. Last evaluated: 2025-03-04. Review status: criteria provided, single submitter. Criteria: Ambry Variant Classification Scheme 2023. Collection method: clinical testing. Allele origin: germline.
Comment: The p.I297S variant (also known as c.890T>G), located in coding exon 5 of the LMNA gene, results from a T to G substitution at nucleotide position 890. The isoleucine at codon 297 is replaced by serine, an amino acid with dissimilar properties. This amino acid position is well conserved in available vertebrate species. In addition, the in silico prediction for this alteration is inconclusive. Based on the available evidence, the clinical significance of this variant remains unclear.

Labcorp Genetics (formerly Invitae), Labcorp
Classification: Uncertain significance for Charcot-Marie-Tooth disease type 2. Last evaluated: 2016-05-08. Review status: criteria provided, single submitter. Criteria: Invitae Variant Classification Sherloc (09022015). Collection method: clinical testing. Allele origin: germline.
Comment: In summary, this variant is a novel missense change with uncertain impact on protein function. It has been classified as a Variant of Uncertain Significance. Algorithms developed to predict the effect of missense changes on protein structure and function do not agree on the potential impact of this missense change (SIFT: "Deleterious"; PolyPhen-2: "Benign"; Align-GVGD: "Class C65"). This variant is not present in population databases (ExAC no frequency) and has not been reported in the literature in individuals with a LMNA-related disease. This sequence change replaces isoleucine with serine at codon 297 of the LMNA protein (p.Ile297Ser). The isoleucine residue is highly conserved and there is a large physicochemical difference between isoleucine and serine.

NM_170707.4(LMNA):c.890T>G (p.Ile297Ser)

Gene: LMNA (lamin A/C; plus strand). Cytogenetic location: 1q22.
Variant type: single nucleotide variant.
Coding change: c.890T>G on transcript NM_170707.4 (MANE Select); coding-DNA position 890, T replaced by G.
Protein change: p.Ile297Ser; replaces isoleucine 297 with serine.
Molecular consequence: missense variant.
Genome position (GRCh38, 1-based): chr1:156,135,266, T>G. VCF-style: chr1-156135266-T-G. GRCh37 (hg19) VCF-style: chr1-156105057-T-G.
Other names: c.890T>G (NM_170707.2); c.554T>G, p.Ile185Ser (NM_001257374.3); c.647T>G, p.Ile216Ser (NM_001282624.2); c.890T>G, p.Ile297Ser (NM_001282625.2, NM_001282626.2, NM_005572.4 and 1 more transcripts); short protein forms I297S, I185S, I216S.
Identifiers: ClinVar variation 408990 (VCV000408990.9), dbSNP rs1060502212, ClinGen allele CA16609890.